The following is an entry in ClinVar:

NM_020975.6(RET):c.2657G>A (p.Arg886Gln)

Gene: RET (ret proto-oncogene; plus strand). Cytogenetic location: 10q11.21.
Variant type: single nucleotide variant.
Coding change: c.2657G>A on transcript NM_020975.6 (MANE Select); coding-DNA position 2657, G replaced by A.
Protein change: p.Arg886Gln; replaces arginine 886 with glutamine.
Molecular consequence: missense variant.
Genome position (GRCh38, 1-based): chr10:43,120,130, G>A. VCF-style: chr10-43120130-G-A. GRCh37 (hg19) VCF-style: chr10-43615578-G-A.
Other names: c.2657G>A, p.Arg886Gln (NM_000323.2, NM_001406743.1, NM_001406744.1 and 4 more transcripts); c.1895G>A, p.Arg632Gln (NM_001355216.2); c.2261G>A, p.Arg754Gln (NM_001406769.1, NM_001406772.1); c.2369G>A, p.Arg790Gln (NM_001406770.1, NM_001406766.1, NM_001406767.1); c.2219G>A, p.Arg740Gln (NM_001406771.1, NM_001406773.1); c.2132G>A, p.Arg711Gln (NM_001406774.1); c.1931G>A, p.Arg644Gln (NM_001406775.1, NM_001406776.1, NM_001406777.1 and 1 more transcripts); c.1472G>A, p.Arg491Gln (NM_001406788.1, NM_001406789.1, NM_001406790.1); and 10 more; short protein forms R886Q, R632Q, R451Q, R491Q, R556Q, R644Q, R740Q, R790Q.
Identifiers: ClinVar variation 543745 (VCV000543745.28), dbSNP rs373594744, ClinGen allele CA040313.

ClinVar aggregate classification (germline): Conflicting classifications of pathogenicity. Review status: criteria provided, conflicting classifications (1 of 4 stars). 15 submissions from 15 submitters: Uncertain significance (13); Likely benign (2). Last evaluated 2026-06-11.

Conditions:
Hereditary cancer-predisposing syndrome. Also called: Neoplastic Syndromes, Hereditary; Hereditary Cancer Syndrome; Tumor predisposition; Hereditary neoplastic syndrome. Identifiers: Orphanet 140162, MedGen C0027672, MeSH D009386, MONDO:0015356.
Multiple endocrine neoplasia, type 2 (MEN2). Identifiers: Orphanet 653, MedGen C4048306, MONDO:0019003. Disease mechanism: gain of function.
Pheochromocytoma. Also called: MAX-Related Hereditary Paraganglioma-Pheochromocytoma Syndrome. Identifiers: Orphanet 29072, MedGen C0031511, MONDO:0008233, OMIM 171300, HP:0002666.
Familial medullary thyroid carcinoma (MTC). Also called: Thyroid cancer, familial medullary; MTC, familial; Familial Medullary Thyroid Carcinoma (FMTC). Identifiers: Orphanet 653, Orphanet 99361, MedGen C1833921, MONDO:0007958, OMIM 155240.
Multiple endocrine neoplasia type 2B. Also called: Multiple endocrine neoplasia, type 3; MULTIPLE ENDOCRINE NEOPLASIA, TYPE IIB; MUCOSAL NEUROMA SYNDROME; MEN 2B; Multiple Endocrine Neoplasia Type 2B (MEN2B); MEN IIB. Identifiers: Orphanet 247709, Orphanet 653, MedGen C0025269, MeSH D018814, MONDO:0008082, OMIM 162300.
Multiple endocrine neoplasia type 2A. Also called: MULTIPLE ENDOCRINE NEOPLASIA, TYPE IIA; PTC SYNDROME; SIPPLE SYNDROME; MEN 2A; MEN-2A syndrome; Pheochromocytoma and amyloid producing medullary thyroid carcinoma. Identifiers: Orphanet 247698, Orphanet 653, MedGen C0025268, MeSH D018813, MONDO:0008234, OMIM 171400.
Hirschsprung disease, susceptibility to, 1 (HSCR1). Also called: RET-Related Hirschsprung Disease. Identifiers: Orphanet 388, MedGen C3888239, MONDO:0007723, OMIM 142623.
RET-related disorder. Also called: RET-related disorders; RET-related condition; RET-related disease.
Diffuse pediatric-type high-grade glioma, H3-wildtype and IDH-wildtype. Identifiers: MedGen C5669918, MONDO:0858939.

Allele frequency attached by ClinVar (database versions not stated): gnomAD exomes 0.00002 and 0.00003; ExAC 0.00003; ESP Exome Variant Server 0.00008; gnomAD 0.00009; TOPMed 0.00011.
gnomAD v4.1: 52 of 1,613,868 alleles (0.0032%); highest among the groups gnomAD compares: Middle Eastern, 0.033%; no homozygotes.

Submissions (15):

GeneDx
Classification: Uncertain significance. Last evaluated: 2026-06-11. Review status: criteria provided, single submitter. Criteria: GeneDx Variant Classification Process June 2021. Collection method: clinical testing. Allele origin: germline.
Comment: In silico analysis suggests that this missense variant does not alter protein structure/function; Observed in individuals with medullary thyroid carcinoma, pheochromocytoma, Hirschsprung's disease, or breast cancer in published literature (PMID: 22648184, 32091409, 33981013, Amosenko FA et al (2018)); This variant is associated with the following publications: (PMID: 31159747, 28946813, 32091409, 22648184, Amosenko2018[casereport], 33981013, 38637882, 14633923, 41751593)

Labcorp Genetics (formerly Invitae), Labcorp
Classification: Uncertain significance for Multiple endocrine neoplasia, type 2. Last evaluated: 2026-01-30. Review status: criteria provided, single submitter. Criteria: Invitae Variant Classification Sherloc (09022015). Collection method: clinical testing. Allele origin: germline.
Comment: This sequence change replaces arginine, which is basic and polar, with glutamine, which is neutral and polar, at codon 886 of the RET protein (p.Arg886Gln). This variant is present in population databases (rs373594744, gnomAD 0.03%). This missense change has been observed in individual(s) with Hirschsprung disease, medullary thyroid cancer, and/or pheochromocytoma (PMID: 22648184, 28946813, 33981013). ClinVar contains an entry for this variant (Variation ID: 543745). An algorithm developed to predict the effect of missense changes on protein structure and function (PolyPhen-2) suggests that this variant is likely to be disruptive. In summary, the available evidence is currently insufficient to determine the role of this variant in disease. Therefore, it has been classified as a Variant of Uncertain Significance.

PreventionGenetics, part of Exact Sciences
Classification: Uncertain significance for RET-related condition. Last evaluated: 2026-01-05. Review status: criteria provided, single submitter. Criteria: ACMG Guidelines, 2015. Collection method: clinical testing. Allele origin: germline.
Comment: The RET c.2657G>A variant is predicted to result in the amino acid substitution p.Arg886Gln. This variant has been reported in a patient with Hirschsprung disease (Carter et al. 2012. PubMed ID: 22648184) and in a study of patients with medullary thyroid cancer or pheochromocytomas (Lebeault et al. 2017. PubMed ID: 28946813). This variant is reported in 0.024% of alleles in individuals of African descent in gnomAD and has interpretations ranging from likely benign to uncertain in ClinVar (Variation ID: 543745). At this time, the clinical significance of this variant is uncertain due to the absence of conclusive functional and genetic evidence.

Quest Diagnostics Nichols Institute San Juan Capistrano
Classification: Uncertain significance. Last evaluated: 2025-01-27. Review status: criteria provided, single submitter. Criteria: Quest Diagnostics criteria. Collection method: clinical testing. Allele origin: unknown.

Myriad Genetics, Inc.
Classification: Likely benign for Multiple endocrine neoplasia type 2A. Last evaluated: 2024-08-06. Review status: criteria provided, single submitter. Criteria: Myriad Autosomal Dominant, Autosomal Recessive and X-Linked Classification Criteria (2023). Collection method: clinical testing. Allele origin: unknown.
Comment: This variant is considered likely benign. This variant has been observed at a population frequency that is significantly greater than expected given the associated disease prevalence and penetrance.

Color Diagnostics, LLC DBA Color Health
Classification: Uncertain significance for Multiple endocrine neoplasia, type 2. Last evaluated: 2024-05-30. Review status: criteria provided, single submitter. Criteria: ACMG Guidelines, 2015. Collection method: clinical testing. Allele origin: germline.
Comment: This missense variant replaces arginine with glutamine at codon 886 of the RET protein. Computational prediction is inconclusive regarding the impact of this variant on protein structure and function. To our knowledge, functional studies have not been reported for this variant. This variant has been reported in an individual affected with medullary thyroid cancer (DOI:10.25557/2073-7998.2018.11.53-55), an individual affected with unspecified endocrine neoplasia (PMID: 28946813), and an individual affected with pheochromocytoma (PMID: 33981013). This variant has been identified in 10/281940 chromosomes in the general population by the Genome Aggregation Database (gnomAD). The available evidence is insufficient to determine the role of this variant in disease conclusively. Therefore, this variant is classified as a Variant of Uncertain Significance.

Blueprint Genetics
Classification: Uncertain significance. Last evaluated: 2024-03-22. Review status: criteria provided, single submitter. Criteria: ACMG Guidelines, 2015. Collection method: clinical testing. Allele origin: germline.

Baylor Genetics
Classification: Uncertain significance for Hirschsprung disease, susceptibility to, 1. Last evaluated: 2023-08-28. Review status: criteria provided, single submitter. Criteria: ACMG Guidelines, 2015. Collection method: clinical testing. Allele origin: unknown.

Department of Pathology and Laboratory Medicine, Sinai Health System
Classification: Uncertain significance for Multiple endocrine neoplasia type 2B. Last evaluated: 2023-02-27. Review status: criteria provided, single submitter. Criteria: ACMG Guidelines, 2015. Collection method: research. Allele origin: germline.

Fulgent Genetics
Classification: Uncertain significance for Hirschsprung disease, susceptibility to, 1; Familial medullary thyroid carcinoma; Multiple endocrine neoplasia type 2B; Pheochromocytoma; Multiple endocrine neoplasia type 2A. Last evaluated: 2022-03-24. Review status: criteria provided, single submitter. Criteria: ACMG Guidelines, 2015. Collection method: clinical testing. Allele origin: unknown.

Ambry Genetics
Classification: Likely benign for Hereditary cancer-predisposing syndrome. Last evaluated: 2022-02-18. Review status: criteria provided, single submitter. Criteria: Ambry Variant Classification Scheme 2023. Collection method: clinical testing. Allele origin: germline.

Sema4
Classification: Uncertain significance for Hereditary cancer-predisposing syndrome. Last evaluated: 2021-11-20. Review status: criteria provided, single submitter. Criteria: Sema4 Curation Guidelines. Collection method: curation. Allele origin: germline.
Comment: The RET c.2657G>A (p.R886Q) variant has been reported in individuals with medullary thyroid cancer, pheochromocytoma, and Hirschsprung's disease (PMID: 28946813, 33981013, 22648184). It was also identified in a patient with personal and/or family history of breast cancer (PMID: 32091409, 31159747). This variant was observed in 6/24890 chromosomes of the African/African American subpopulation in the large and broad cohorts of the Genome Aggregation Database (PMID: 32461654) and has been reported in ClinVar (Variation ID 543745). Functional studies have not been performed, and in silico predictions of the variant's effect on protein function are inconclusive. The evidence is insufficient to meet ACMG/AMP criteria for classifying the variant as benign or pathogenic. Thus, the clinical significance of this variant is currently uncertain.

Institute for Clinical Genetics, University Hospital TU Dresden, University Hospital TU Dresden
Classification: Uncertain significance. Last evaluated: 2021-11-03. Review status: criteria provided, single submitter. Criteria: ACMG Guidelines, 2015. Collection method: clinical testing. Allele origin: germline.

GeneKor MSA
Classification: Uncertain significance for Hereditary cancer-predisposing syndrome. Last evaluated: 2018-08-01. Review status: criteria provided, single submitter. Criteria: ACMG Guidelines, 2015. Collection method: clinical testing. Allele origin: germline. Affected: yes.

Laboratory of Medical Genetics Unit, Bambino Gesù Children's Hospital
Classification: Uncertain significance for Diffuse pediatric-type high-grade glioma, H3-wildtype and IDH-wildtype. Last evaluated: 2018-07-12. Review status: criteria provided, single submitter. Criteria: ACMG Guidelines, 2015. Collection method: research. Allele origin: paternal. Affected: yes. Observed: 1 heterozygote.

Literature cited by the submitters: PubMed 22648184 (cited by 3 submitters); PubMed 28946813 (cited by 4 submitters); PubMed 33981013 (cited by 3 submitters); PubMed 31159747 (cited by Ambry Genetics and Sema4); PubMed 32091409 (cited by Sema4).